The following is an entry in ClinVar:

ClinVar aggregate classification (germline): Uncertain significance (1 of 4 stars; one submission).

Conditions:
Hereditary cancer-predisposing syndrome. Also called: Neoplastic Syndromes, Hereditary; Tumor predisposition; Hereditary neoplastic syndrome; Hereditary Cancer Syndrome. Identifiers: Orphanet 140162, MedGen C0027672, MeSH D009386, MONDO:0015356.

Submission:

Ambry Genetics
Classification: Uncertain significance for Hereditary cancer-predisposing syndrome. Last evaluated: 2026-06-24. Review status: criteria provided, single submitter. Criteria: Ambry Variant Classification Scheme 2023. Collection method: clinical testing. Allele origin: germline.
Comment: The c.532-5T>G intronic variant results from a T to G substitution 5 nucleotides upstream from coding exon 5 in the CDH1 gene. This nucleotide position is highly conserved in available vertebrate species. In silico splice site analysis predicts that this alteration will not have any significant effect on splicing. Based on the available evidence, the clinical significance of this variant remains unclear.

NM_004360.5(CDH1):c.532-5T>G

Gene: CDH1 (cadherin 1; plus strand). Cytogenetic location: 16q22.1.
Variant type: single nucleotide variant.
Coding change: c.532-5T>G on transcript NM_004360.5 (MANE Select); 5 bases into the intron before coding-DNA position 532, T replaced by G.
Molecular consequence: intron variant.
Genome position (GRCh38, 1-based): chr16:68,808,688, T>G. VCF-style: chr16-68808688-T-G. GRCh37 (hg19) VCF-style: chr16-68842591-T-G.
Other names: c.-1084-5T>G (NM_001317185.2); c.-1288-5T>G (NM_001317186.2); c.532-5T>G (NM_001317184.2).
Identifiers: ClinVar variation 5033873 (VCV005033873.1).